The following is an entry in ClinVar:

ClinVar aggregate classification (germline): Uncertain significance. Review status: criteria provided, multiple submitters, no conflicts (2 of 4 stars). 2 submissions from 2 submitters: Uncertain significance (2). Last evaluated 2025-07-08.

Conditions:
RAI1-related disorder. Also called: RAI1-related condition.

Allele frequency attached by ClinVar (database versions not stated): ExAC 0.00001.

Submissions (2):

PreventionGenetics, part of Exact Sciences
Classification: Uncertain significance for RAI1-related condition. Last evaluated: 2025-07-08. Review status: criteria provided, single submitter. Criteria: ACMG Guidelines, 2015. Collection method: clinical testing. Allele origin: germline.
Comment: The RAI1 c.749C>T variant is predicted to result in the amino acid substitution p.Pro250Leu. To our knowledge, this variant has not been reported in the literature. This variant is reported in 0.0018% of alleles in individuals of European (Non-Finnish) descent in gnomAD. Although we suspect that this variant may be benign, at this time, the clinical significance of this variant is uncertain due to the absence of conclusive functional and genetic evidence.

Labcorp Genetics (formerly Invitae), Labcorp
Classification: Uncertain significance. Last evaluated: 2021-10-16. Review status: criteria provided, single submitter. Criteria: Invitae Variant Classification Sherloc (09022015). Collection method: clinical testing. Allele origin: germline.
Comment: This variant has not been reported in the literature in individuals affected with RAI1-related conditions. This sequence change replaces proline with leucine at codon 250 of the RAI1 protein (p.Pro250Leu). The proline residue is moderately conserved and there is a moderate physicochemical difference between proline and leucine. This variant is present in population databases (rs773061985, ExAC 0.002%). Algorithms developed to predict the effect of missense changes on protein structure and function are either unavailable or do not agree on the potential impact of this missense change (SIFT: "Deleterious"; PolyPhen-2: "Benign"; Align-GVGD: "Class C0"). In summary, the available evidence is currently insufficient to determine the role of this variant in disease. Therefore, it has been classified as a Variant of Uncertain Significance.

NM_030665.4(RAI1):c.749C>T (p.Pro250Leu)

Gene: RAI1 (retinoic acid induced 1; plus strand). Cytogenetic location: 17p11.2.
Variant type: single nucleotide variant.
Coding change: c.749C>T on transcript NM_030665.4 (MANE Select); coding-DNA position 749, C replaced by T.
Protein change: p.Pro250Leu; replaces proline 250 with leucine.
Molecular consequence: missense variant.
Genome position (GRCh38, 1-based): chr17:17,793,697, C>T. VCF-style: chr17-17793697-C-T. GRCh37 (hg19) VCF-style: chr17-17697011-C-T.
Other names: c.749C>T (NM_030665.3); short protein forms P250L.
Identifiers: ClinVar variation 1377564 (VCV001377564.7), dbSNP rs773061985, ClinGen allele CA8418178.